The following is an entry in ClinVar:

NM_000455.5(STK11):c.-11del

Gene: STK11 (serine/threonine kinase 11; plus strand). Cytogenetic location: 19p13.3.
Variant type: Deletion.
Coding change: c.-11del on transcript NM_000455.5 (MANE Select); 11 bases upstream of the start codon, one base deleted (C; older notation c.-11delC).
Molecular consequence: 5 prime UTR variant.
Genome position (GRCh38, 1-based): chr19:1,206,903, C deleted; the last of 3 consecutive C bases (chr19:1,206,901-1,206,903); deleting any one gives the same sequence. VCF-style (leftmost placement, unchanged base first): chr19-1206900-AC-A. GRCh37 (hg19) VCF-style: chr19-1206899-AC-A.
Other names: c.-11delC (NM_000455.4).
Identifiers: ClinVar variation 507780 (VCV000507780.4), dbSNP rs1555734834, ClinGen allele CA658799102.

ClinVar aggregate classification (germline): Conflicting classifications of pathogenicity. Review status: criteria provided, conflicting classifications (1 of 4 stars). 3 submissions from 3 submitters: Uncertain significance (2); Likely benign (1). Last evaluated 2024-08-13.

Conditions:
Hereditary cancer-predisposing syndrome. Also called: Hereditary Cancer Syndrome; Tumor predisposition; Neoplastic Syndromes, Hereditary; Hereditary neoplastic syndrome. Identifiers: Orphanet 140162, MedGen C0027672, MeSH D009386, MONDO:0015356.
Peutz-Jeghers syndrome (PJS). Also called: Peutz-Jeghers polyposis; Periorificial lentiginosis syndrome; POLYPOSIS, HAMARTOMATOUS INTESTINAL; POLYPS-AND-SPOTS SYNDROME. Identifiers: Orphanet 2869, MedGen C0031269, MeSH D010580, MONDO:0008280, OMIM 175200.

Submissions (3):

All of Us Research Program, National Institutes of Health
Classification: Uncertain significance for Peutz-Jeghers syndrome. Last evaluated: 2024-08-13. Review status: criteria provided, single submitter. Criteria: ACMG Guidelines, 2015. Collection method: clinical testing. Allele origin: germline. Inheritance: Autosomal dominant inheritance. Observed: 2 variant alleles, 2 heterozygotes.
Comment: This variant causes a 1 nucleotide deletion at the -11 position in the 5' untranslated region in the STK11 gene. To our knowledge, functional studies have not been reported for this variant. This variant has not been reported in individuals affected with STK11-related disorders in the literature. This variant has not been identified in the general population by the Genome Aggregation Database (gnomAD). The available evidence is insufficient to determine the role of this variant in disease conclusively. Therefore, this variant is classified as a Variant of Uncertain Significance.

This study involves interpretation of variants in research participants for the purpose of population health screening. Participant phenotype was not available at the time of variant classification. Additional details can be found in publication PMID: 35346344, PMCID: PMC8962531

Color Diagnostics, LLC DBA Color Health
Classification: Uncertain significance for Hereditary cancer-predisposing syndrome. Last evaluated: 2024-07-30. Review status: criteria provided, single submitter. Criteria: ACMG Guidelines, 2015. Collection method: clinical testing. Allele origin: germline.
Comment: This variant causes a 1 nucleotide deletion at the -11 position in the 5' untranslated region in the STK11 gene. To our knowledge, functional studies have not been reported for this variant. This variant has not been reported in individuals affected with STK11-related disorders in the literature. This variant has not been identified in the general population by the Genome Aggregation Database (gnomAD). The available evidence is insufficient to determine the role of this variant in disease conclusively. Therefore, this variant is classified as a Variant of Uncertain Significance.

GeneDx
Classification: Likely benign. Last evaluated: 2017-03-01. Review status: criteria provided, single submitter. Criteria: GeneDx Variant Classification (06012015). Collection method: clinical testing. Allele origin: germline. Affected: yes.
Comment: This variant is considered likely benign or benign based on one or more of the following criteria: it is a conservative change, it occurs at a poorly conserved position in the protein, it is predicted to be benign by multiple in silico algorithms, and/or has population frequency not consistent with disease.